The following is an entry in ClinVar:

ClinVar aggregate classification (germline): Uncertain significance. Review status: criteria provided, multiple submitters, no conflicts (2 of 4 stars). 2 submissions from 2 submitters: Uncertain significance (2). Last evaluated 2023-07-21.

Conditions:
Hereditary cancer-predisposing syndrome. Also called: Tumor predisposition; Neoplastic Syndromes, Hereditary; Hereditary Cancer Syndrome; Hereditary neoplastic syndrome. Identifiers: Orphanet 140162, MedGen C0027672, MeSH D009386, MONDO:0015356.
Global developmental delay - lung cysts - overgrowth - Wilms tumor syndrome. Also called: GLOW Syndrome; GLOBAL DEVELOPMENTAL DELAY, LUNG CYSTS, OVERGROWTH, AND WILMS TUMOR. Identifiers: Orphanet 404476, MedGen C4748924, MONDO:0018445, OMIM 618272.

Submissions (2):

Baylor Genetics
Classification: Uncertain significance for Global developmental delay - lung cysts - overgrowth - Wilms tumor syndrome. Last evaluated: 2023-07-21. Review status: criteria provided, single submitter. Criteria: ACMG Guidelines, 2015. Collection method: clinical testing. Allele origin: unknown.

Ambry Genetics
Classification: Uncertain significance for Hereditary cancer-predisposing syndrome. Last evaluated: 2020-11-17. Review status: criteria provided, single submitter. Criteria: Ambry Variant Classification Scheme 2023. Collection method: clinical testing. Allele origin: germline.
Comment: The p.H1062Q variant (also known as c.3186C>G), located in coding exon 19 of the DICER1 gene, results from a C to G substitution at nucleotide position 3186. The histidine at codon 1062 is replaced by glutamine, an amino acid with highly similar properties. This amino acid position is highly conserved in available vertebrate species. In addition, the in silico prediction for this alteration is inconclusive. Since supporting evidence is limited at this time, the clinical significance of this alteration remains unclear.

NM_177438.3(DICER1):c.3186C>G (p.His1062Gln)

Gene: DICER1 (dicer 1, ribonuclease III; minus strand). Cytogenetic location: 14q32.13.
Variant type: single nucleotide variant.
Coding change: c.3186C>G on transcript NM_177438.3 (MANE Select); coding-DNA position 3186, C replaced by G.
Protein change: p.His1062Gln; replaces histidine 1062 with glutamine.
Molecular consequence: missense variant. On other transcripts: non-coding transcript variant (6).
Genome position (GRCh38, 1-based): chr14:95,105,154, G>C on the plus strand (C>G on the coding strand, the complement: DICER1 is on the minus strand). VCF-style: chr14-95105154-G-C. GRCh37 (hg19) VCF-style: chr14-95571491-G-C.
Other names: c.3186C>G, p.His1062Gln (NM_001195573.1, NM_001271282.3, NM_001291628.2 and 13 more transcripts); c.2904C>G, p.His968Gln (NM_001395686.1); c.2781C>G, p.His927Gln (NM_001395687.1, NM_001395688.1, NM_001395689.1 and 2 more transcripts); c.2619C>G, p.His873Gln (NM_001395691.1); c.1503C>G, p.His501Gln (NM_001395697.1); short protein forms H501Q, H873Q, H1062Q, H968Q, H927Q.
Identifiers: ClinVar variation 1728587 (VCV001728587.3), dbSNP rs951581708, ClinGen allele CA390876602.